The following is an entry in ClinVar:

ClinVar aggregate classification (germline): Benign (0 of 4 stars; one submission).

Conditions:
MEI1-related disorder. Also called: MEI1-related condition.

Allele frequency attached by ClinVar (database versions not stated): gnomAD exomes 0.00687; ExAC 0.03230; ESP Exome Variant Server 0.05562; gnomAD 0.06743; 1000 Genomes Project 0.07009; 1000 Genomes Project 30x 0.07464; TOPMed 0.07692.
gnomAD v4.1: 20,275 of 1,551,402 alleles (1.3%); highest among the groups gnomAD compares: African/African-American, 24%; 2,136 homozygotes.

Submission:

PreventionGenetics, part of Exact Sciences
Classification: Benign for MEI1-related condition. Last evaluated: 2019-12-23. Review status: no assertion criteria provided. Collection method: clinical testing. Allele origin: germline.
Comment: This variant is classified as benign based on ACMG/AMP sequence variant interpretation guidelines (Richards et al. 2015 PMID: 25741868, with internal and published modifications).

NM_152513.4(MEI1):c.174+9G>A

Gene: MEI1 (meiotic double-stranded break formation protein 1; plus strand). Cytogenetic location: 22q13.2.
Variant type: single nucleotide variant.
Coding change: c.174+9G>A on transcript NM_152513.4 (MANE Select); 9 bases into the intron after coding-DNA position 174, G replaced by A.
Molecular consequence: intron variant.
Genome position (GRCh38, 1-based): chr22:41,699,721, G>A. VCF-style: chr22-41699721-G-A. GRCh37 (hg19) VCF-style: chr22-42095725-G-A.
Identifiers: ClinVar variation 3037856 (VCV003037856.2), dbSNP rs113760609, ClinGen allele CA10259772.